The following is an entry in ClinVar:

NM_001903.5(CTNNA1):c.302-14A>G

Gene: CTNNA1 (catenin alpha 1; plus strand). Cytogenetic location: 5q31.2.
Variant type: single nucleotide variant.
Coding change: c.302-14A>G on transcript NM_001903.5 (MANE Select); 14 bases into the intron before coding-DNA position 302, A replaced by G.
Molecular consequence: intron variant.
Genome position (GRCh38, 1-based): chr5:138,810,024, A>G. VCF-style: chr5-138810024-A-G. GRCh37 (hg19) VCF-style: chr5-138145713-A-G.
Other names: c.302-14A>G (NM_001323982.2, NM_001323984.2, NM_001290307.3 and 3 more transcripts); c.-5-77A>G (NM_001290310.3); c.-8-14A>G (NM_001290309.3).
Identifiers: ClinVar variation 1664125 (VCV001664125.9), dbSNP rs1348819667, ClinGen allele CA804566160.

ClinVar aggregate classification (germline): Likely benign. Review status: criteria provided, multiple submitters, no conflicts (2 of 4 stars). 2 submissions from 2 submitters: Likely benign (2). Last evaluated 2025-08-17.

Conditions:
Hereditary diffuse gastric adenocarcinoma (HDGC). Also called: DIFFUSE GASTRIC AND LOBULAR BREAST CANCER SYNDROME. Identifiers: Orphanet 26106, MedGen C1708349, MONDO:0007648, OMIM 137215.

Allele frequency attached by ClinVar (database versions not stated): gnomAD exomes below 0.00001; TOPMed below 0.00001.

Submissions (2):

Labcorp Genetics (formerly Invitae), Labcorp
Classification: Likely benign. Last evaluated: 2025-08-17. Review status: criteria provided, single submitter. Criteria: Invitae Variant Classification Sherloc (09022015). Collection method: clinical testing. Allele origin: germline.

Myriad Genetics, Inc.
Classification: Likely benign for Hereditary diffuse gastric adenocarcinoma. Last evaluated: 2024-10-09. Review status: criteria provided, single submitter. Criteria: Myriad Autosomal Dominant, Autosomal Recessive and X-Linked Classification Criteria (2023). Collection method: clinical testing. Allele origin: unknown.
Comment: This variant is considered likely benign. This variant is intronic and is not expected to impact mRNA splicing.